The following is an entry in ClinVar:

NM_003839.4(TNFRSF11A):c.*2590A>C

Gene: TNFRSF11A (TNF receptor superfamily member 11a; plus strand). Cytogenetic location: 18q21.33.
Variant type: single nucleotide variant.
Coding change: c.*2590A>C on transcript NM_003839.4 (MANE Select); 2590 bases downstream of the stop codon, A replaced by C.
Molecular consequence: 3 prime UTR variant.
Genome position (GRCh38, 1-based): chr18:62,387,624, A>C. VCF-style: chr18-62387624-A-C. GRCh37 (hg19) VCF-style: chr18-60054857-A-C.
Other names: c.*2865A>C (NM_001270949.2); c.*2590A>C (NM_001270950.2, NM_001270951.2, NM_001278268.2).
Identifiers: ClinVar variation 891660 (VCV000891660.5), dbSNP rs884205, ClinGen allele CA15918156.

ClinVar aggregate classification (germline): Benign. Review status: criteria provided, multiple submitters, no conflicts (2 of 4 stars). 3 submissions from 2 submitters: Benign (3). Last evaluated 2018-01-13.

Conditions:
Autosomal recessive osteopetrosis 7. Identifiers: Orphanet 178389, MedGen C2676766, MONDO:0012859, OMIM 612301.
Paget disease of bone 2, early-onset (PDB2). Also called: Paget disease of bone 2. Identifiers: MedGen C4085251, MONDO:0011183, OMIM 602080.

Allele frequency attached by ClinVar (database versions not stated): gnomAD 0.81276 and 0.81374; TOPMed 0.82667; 1000 Genomes Project 0.83866; 1000 Genomes Project 30x 0.84026.

Submissions (3):

Illumina Laboratory Services, Illumina
Classification: Benign for Paget disease of bone 2, early-onset. Last evaluated: 2018-01-13. Review status: criteria provided, single submitter. Criteria: ICSL Variant Classification Criteria 13 December 2019. Collection method: clinical testing. Allele origin: germline.
Comment: This variant was observed in the ICSL laboratory as part of a predisposition screen in an ostensibly healthy population. It had not been previously curated by ICSL or reported in the Human Gene Mutation Database (HGMD: prior to June 1st, 2018), and was therefore a candidate for classification through an automated scoring system. Utilizing variant allele frequency, disease prevalence and penetrance estimates, and inheritance mode, an automated score was calculated to assess if this variant is too frequent to cause the disease. Based on the score and internal cut-off values, a variant classified as benign is not then subjected to further curation. The score for this variant resulted in a classification of benign for this disease.

Illumina Laboratory Services, Illumina
Classification: Benign for Autosomal recessive osteopetrosis 7. Last evaluated: 2018-01-13. Review status: criteria provided, single submitter. Criteria: ICSL Variant Classification Criteria 13 December 2019. Collection method: clinical testing. Allele origin: germline.
Comment: the same text as in the submission from Illumina Laboratory Services, Illumina above.

Breakthrough Genomics
Classification: Benign. Review status: criteria provided, single submitter. Criteria: ACMG Guidelines, 2015. Collection method: not provided. Allele origin: germline. Inheritance: Autosomal recessive inheritance. Affected: yes.